The following is an entry in ClinVar:

ClinVar aggregate classification (germline): Conflicting classifications of pathogenicity. Review status: criteria provided, conflicting classifications (1 of 4 stars). 2 submissions from 2 submitters: Likely pathogenic (1); Uncertain significance (1). Last evaluated 2013-09-11.

Conditions:
Severe myoclonic epilepsy in infancy (DRVT). Also called: DEVELOPMENTAL AND EPILEPTIC ENCEPHALOPATHY 6A; Severe Myoclonic Epilepsy in Infancy (SMEI); Dravet syndrome; SEVERE MYOCLONIC EPILEPSY OF INFANCY; Epileptic encephalopathy, early infantile, 6 (Dravet syndrome). Identifiers: Orphanet 33069, MedGen C0751122, MONDO:0100135, OMIM 607208.

Submissions (2):

Eurofins Ntd Llc (ga)
Classification: Likely pathogenic. Last evaluated: 2013-09-11. Review status: criteria provided, single submitter. Criteria: EGL Classification Definitions 2015. Collection method: clinical testing. Allele origin: germline. Observed: 1 variant allele, 1 heterozygote.

Neuberg Centre For Genomic Medicine, NCGM
Classification: Uncertain significance for Severe myoclonic epilepsy in infancy. Review status: criteria provided, single submitter. Criteria: ACMG Guidelines, 2015. Collection method: clinical testing. Allele origin: germline. Affected: yes.
Comment: The missense variant p.M1714T in SCN1A (NM_001165963.4) has been submitted to ClinVar as Likely Pathogenic, however no details are avilable for independent assesment. It has not been reported in literature in affected individuals. The p.M1714T variant is novel (not in any individuals) in gnomAD Exomes and is novel (not in any individuals) in 1000 Genomes. The p.M1714T missense variant is predicted to be damaging by both SIFT and PolyPhen2. The methionine residue at codon 1714 of SCN1A is conserved in all mammalian species. The nucleotide c.5141 in SCN1A is predicted conserved by GERP++ and PhyloP across 100 vertebrates. For these reasons, this variant has been classified as Uncertain Significance.

NM_001165963.4(SCN1A):c.5141T>C (p.Met1714Thr)

Genes: SCN1A (sodium voltage-gated channel alpha subunit 1; minus strand), LOC102724058 (uncharacterized LOC102724058; plus strand). Cytogenetic location: 2q24.3.
Variant type: single nucleotide variant.
Coding change: c.5141T>C on transcript NM_001165963.4 (MANE Select); coding-DNA position 5141, T replaced by C.
Protein change: p.Met1714Thr; replaces methionine 1714 with threonine.
Molecular consequence: missense variant. On other transcripts: non-coding transcript variant (1).
Genome position (GRCh38, 1-based): chr2:165,992,134, A>G on the plus strand (T>C on the coding strand, the complement: SCN1A is on the minus strand). VCF-style: chr2-165992134-A-G. GRCh37 (hg19) VCF-style: chr2-166848644-A-G.
Other names: c.5057T>C, p.Met1686Thr (NM_001165964.3, NM_001353957.2, NM_001353958.2); c.5141T>C, p.Met1714Thr (NM_001202435.3, NM_001353948.2); c.5108T>C, p.Met1703Thr (NM_001353949.2, NM_001353950.2, NM_001353951.2 and 2 more transcripts); c.5105T>C, p.Met1702Thr (NM_001353954.2, NM_001353955.2); c.5054T>C, p.Met1685Thr (NM_001353960.2); c.2699T>C, p.Met900Thr (NM_001353961.2); short protein forms M1703T, M1714T, M1686T, M1685T, M1702T, M900T.
Identifiers: ClinVar variation 93656 (VCV000093656.8), dbSNP rs121917949, ClinGen allele CA266846.
Genomic context (GRCh38, chr2:165,992,134, plus strand): 5'-AGAATGGGTGCTAGCAATCCATCCCAGCCAGCAGAGGTTGTAATTTGGAATAGGCAGATC[A>G]TGCTGTTGCCAAAGGTCTCAAAGTTGAACATGTCATCGATCCCAACTTCCCTCTTAACAT-3'
Protein context (NP_001159435.1, residues 1704-1724): MFNFETFGNS[Met1714Thr]ICLFQITTSA